The following is an entry in ClinVar:

NM_013314.4(BLNK):c.26del (p.Val9fs)

Gene: BLNK (B cell linker; minus strand). Cytogenetic location: 10q24.1.
Variant type: Deletion.
Coding change: c.26del on transcript NM_013314.4 (MANE Select); coding-DNA position 26, one base deleted (T; older notation c.26delT).
Protein change: p.Val9fs; shifts the reading frame from valine 9.
Molecular consequence: frameshift variant. On other transcripts: non-coding transcript variant (4).
Genome position (GRCh38, 1-based): chr10:96,271,373, A deleted on the plus strand (T on the coding strand, the reverse complement: BLNK is on the minus strand). VCF-style (leftmost placement, unchanged base first): chr10-96271372-GA-G. GRCh37 (hg19) VCF-style: chr10-98031129-GA-G.
Other names: c.26del, p.Val9fs (NM_001114094.2, NM_001258440.2, NM_001258441.2 and 1 more transcripts); short protein forms V9fs.
Identifiers: ClinVar variation 2090455 (VCV002090455.4), dbSNP rs2493183249, ClinGen allele CA2580082519.

ClinVar aggregate classification (germline): Pathogenic (1 of 4 stars; one submission).

Conditions:
Agammaglobulinemia 4, autosomal recessive (AGM4). Also called: AGAMMAGLOBULINEMIA, AUTOSOMAL RECESSIVE, DUE TO BLNK DEFECT; B cell linker protein deficiency. Identifiers: MedGen C3150752, MONDO:0013289, OMIM 613502.

Submission:

Labcorp Genetics (formerly Invitae), Labcorp
Classification: Pathogenic for Agammaglobulinemia 4, autosomal recessive. Last evaluated: 2022-07-10. Review status: criteria provided, single submitter. Criteria: Invitae Variant Classification Sherloc (09022015). Collection method: clinical testing. Allele origin: germline.
Comment: This sequence change creates a premature translational stop signal (p.Val9Alafs*7) in the BLNK gene. It is expected to result in an absent or disrupted protein product. Loss-of-function variants in BLNK are known to be pathogenic (PMID: 10583958, 24582315). This variant is not present in population databases (gnomAD no frequency). This variant has not been reported in the literature in individuals affected with BLNK-related conditions. For these reasons, this variant has been classified as Pathogenic.

Literature cited by the submitters: PubMed 10583958; PubMed 24582315.